The following is an entry in ClinVar:

ClinVar aggregate classification (germline): Conflicting classifications of pathogenicity. Review status: criteria provided, conflicting classifications (1 of 4 stars). 3 submissions from 3 submitters: Likely pathogenic (1); Uncertain significance (2). Last evaluated 2025-10-07.

Conditions:
Perrault syndrome. Also called: Gonadal dysgenesis with auditory dysfunction, autosomal recessive inheritance. Identifiers: Orphanet 2855, MedGen C0685838, MONDO:0017312.
Bifunctional peroxisomal enzyme deficiency (DBIF). Also called: DBP DEFICIENCY; D-bifunctional protein deficiency; PBFE DEFICIENCY. Identifiers: Orphanet 300, MedGen C0342870, MONDO:0009855, OMIM 261515. Disease mechanism: loss of function.

Allele frequency attached by ClinVar (database versions not stated): gnomAD exomes 0.00002 and 0.00001; 1000 Genomes Project 0.00020; ExAC 0.00001; 1000 Genomes Project 30x 0.00016.

Submissions (3):

Labcorp Genetics (formerly Invitae), Labcorp
Classification: Likely pathogenic for Perrault syndrome; Bifunctional peroxisomal enzyme deficiency. Last evaluated: 2025-10-07. Review status: criteria provided, single submitter. Criteria: Invitae Variant Classification Sherloc (09022015). Collection method: clinical testing. Allele origin: germline.
Comment: This sequence change replaces alanine, which is neutral and non-polar, with valine, which is neutral and non-polar, at codon 196 of the HSD17B4 protein (p.Ala196Val). This variant is present in population databases (rs550705310, gnomAD 0.006%). This missense change has been observed in individual(s) with D-bifunctional protein deficiency (PMID: 24602372). In at least one individual the data is consistent with being in trans (on the opposite chromosome) from a pathogenic variant. ClinVar contains an entry for this variant (Variation ID: 1522331). Invitae Evidence Modeling of protein sequence and biophysical properties (such as structural, functional, and spatial information, amino acid conservation, physicochemical variation, residue mobility, and thermodynamic stability) indicates that this missense variant is expected to disrupt HSD17B4 protein function with a positive predictive value of 95%. In summary, the currently available evidence indicates that the variant is pathogenic, but additional data are needed to prove that conclusively. Therefore, this variant has been classified as Likely Pathogenic.

GeneDx
Classification: Uncertain significance. Last evaluated: 2025-08-09. Review status: criteria provided, single submitter. Criteria: GeneDx Variant Classification Process June 2021. Collection method: clinical testing. Allele origin: germline.
Comment: Not observed at significant frequency in large population cohorts (gnomAD); In silico analysis supports that this missense variant has a deleterious effect on protein structure/function; This variant is associated with the following publications: (PMID: 24602372, 34426522, 38909121)

Women's Health and Genetics/Laboratory Corporation of America, LabCorp
Classification: Uncertain significance. Last evaluated: 2025-06-10. Review status: criteria provided, single submitter. Criteria: LabCorp Variant Classification Summary - May 2015. Collection method: clinical testing. Allele origin: germline.
Comment: Variant summary: HSD17B4 c.587C>T (p.Ala196Val) results in a non-conservative amino acid change in the encoded protein sequence. Algorithms developed to predict the effect of missense changes on protein structure and function all suggest that this variant is likely to be disruptive. The variant allele was found at a frequency of 2e-05 in 250880 control chromosomes. c.587C>T has been reported in the literature as a compound heterozygous genotype in two individuals affected with D-Bifunctional Protein Deficiency (Lieber_2014, Velasco_2024). These data indicate that the variant may be associated with disease. To our knowledge, no experimental evidence demonstrating an impact on protein function has been reported. The following publication has been ascertained in the context of this evaluation (PMID: 24602372, 38909121). ClinVar contains an entry for this variant (Variation ID: 1522331). Based on the evidence outlined above, the variant was classified as VUS-possibly pathogenic.

Literature cited by the submitters: PubMed 24602372 (cited by Labcorp Genetics (formerly Invitae), Labcorp and Women's Health and Genetics/Laboratory Corporation of America, LabCorp); PubMed 38909121 (cited by Women's Health and Genetics/Laboratory Corporation of America, LabCorp).

NM_000414.4(HSD17B4):c.587C>T (p.Ala196Val)

Gene: HSD17B4 (hydroxysteroid 17-beta dehydrogenase 4; plus strand). Cytogenetic location: 5q23.1.
Variant type: single nucleotide variant.
Coding change: c.587C>T on transcript NM_000414.4 (MANE Select); coding-DNA position 587, C replaced by T.
Protein change: p.Ala196Val; replaces alanine 196 with valine.
Molecular consequence: missense variant. On other transcripts: non-coding transcript variant (2).
Genome position (GRCh38, 1-based): chr5:119,478,986, C>T. VCF-style: chr5-119478986-C-T. GRCh37 (hg19) VCF-style: chr5-118814681-C-T.
Other names: c.662C>T, p.Ala221Val (NM_001199291.3); c.533C>T, p.Ala178Val (NM_001199292.2); c.515C>T, p.Ala172Val (NM_001292027.2); c.167C>T, p.Ala56Val (NM_001292028.2); c.578C>T, p.Ala193Val (NM_001374497.1); c.587C>T, p.Ala196Val (NM_001374498.1); c.260C>T, p.Ala87Val (NM_001374499.1); c.146C>T, p.Ala49Val (NM_001374500.1); and 1 more; short protein forms A172V, A193V, A221V, A49V, A196V, A178V, A56V, A59V.
Identifiers: ClinVar variation 1522331 (VCV001522331.10), dbSNP rs550705310, ClinGen allele CA3381883.